The following is an entry in ClinVar:

NM_001605.3(AARS1):c.1672-10C>T

Gene: AARS1 (alanyl-tRNA synthetase 1; minus strand). Cytogenetic location: 16q22.1.
Variant type: single nucleotide variant.
Coding change: c.1672-10C>T on transcript NM_001605.3 (MANE Select); 10 bases into the intron before coding-DNA position 1672, C replaced by T.
Molecular consequence: intron variant.
Genome position (GRCh38, 1-based): chr16:70,261,167, G>A on the plus strand (C>T on the coding strand, the complement: AARS1 is on the minus strand). VCF-style: chr16-70261167-G-A. GRCh37 (hg19) VCF-style: chr16-70295070-G-A.
Identifiers: ClinVar variation 508244 (VCV000508244.8), dbSNP rs1245852151, ClinGen allele CA623203857.
Genomic context (GRCh38, chr16:70,261,167, plus strand): 5'-TAGCACATACCCTCCTCGGACCTGAGCATTCTTCACTGTAAACTCTGTTTTCTAAGAGGG[G>A]TCAAGGAAGAGACCAATAAATAAATCCTTAAAAACATACAAATTTTCTTATATTTTCAAT-3'

ClinVar aggregate classification (germline): Likely benign. Review status: criteria provided, multiple submitters, no conflicts (2 of 4 stars). 2 submissions from 2 submitters: Likely benign (2). Last evaluated 2025-03-23.

Conditions:
Charcot-Marie-Tooth disease type 2. Also called: Charcot-Marie-Tooth type 2. Identifiers: Orphanet 64746, MedGen C0270914, MONDO:0018993.

Allele frequency attached by ClinVar (database versions not stated): gnomAD exomes 0.00001; gnomAD 0.00001.
gnomAD v4.1: 26 of 1,593,068 alleles (0.0016%); highest among the groups gnomAD compares: Non-Finnish European, 0.002%; no homozygotes.

Submissions (2):

Labcorp Genetics (formerly Invitae), Labcorp
Classification: Likely benign for Charcot-Marie-Tooth disease type 2. Last evaluated: 2025-03-23. Review status: criteria provided, single submitter. Criteria: Invitae Variant Classification Sherloc (09022015). Collection method: clinical testing. Allele origin: germline.

GeneDx
Classification: Likely benign. Last evaluated: 2017-04-20. Review status: criteria provided, single submitter. Criteria: GeneDx Variant Classification (06012015). Collection method: clinical testing. Allele origin: germline. Affected: yes.
Comment: This variant is considered likely benign or benign based on one or more of the following criteria: it is a conservative change, it occurs at a poorly conserved position in the protein, it is predicted to be benign by multiple in silico algorithms, and/or has population frequency not consistent with disease.